The following is an entry in ClinVar:

ClinVar aggregate classification (germline): Uncertain significance (1 of 4 stars; one submission).

Conditions:
Cardiovascular phenotype. Identifiers: MedGen CN230736.

Submission:

Ambry Genetics
Classification: Uncertain significance for Cardiovascular phenotype. Last evaluated: 2025-05-25. Review status: criteria provided, single submitter. Criteria: Ambry Variant Classification Scheme 2023. Collection method: clinical testing. Allele origin: germline.
Comment: The p.G843V variant (also known as c.2528G>T), located in coding exon 16 of the CBL gene, results from a G to T substitution at nucleotide position 2528. The glycine at codon 843 is replaced by valine, an amino acid with dissimilar properties. This amino acid position is conserved. In addition, this alteration is predicted to be tolerated by in silico analysis. Based on the available evidence, the clinical significance of this variant remains unclear.

NM_005188.4(CBL):c.2528G>T (p.Gly843Val)

Gene: CBL (Cbl proto-oncogene; plus strand). Cytogenetic location: 11q23.3.
Variant type: single nucleotide variant.
Coding change: c.2528G>T on transcript NM_005188.4 (MANE Select); coding-DNA position 2528, G replaced by T.
Protein change: p.Gly843Val; replaces glycine 843 with valine.
Molecular consequence: missense variant.
Genome position (GRCh38, 1-based): chr11:119,299,588, G>T. VCF-style: chr11-119299588-G-T. GRCh37 (hg19) VCF-style: chr11-119170298-G-T.
Other names: short protein forms G843V.
Identifiers: ClinVar variation 3996068 (VCV003996068.1).